The following is an entry in ClinVar:

NM_018896.5(CACNA1G):c.3653C>G (p.Pro1218Arg)

Gene: CACNA1G (calcium voltage-gated channel subunit alpha1 G; plus strand). Cytogenetic location: 17q21.33.
Variant type: single nucleotide variant.
Coding change: c.3653C>G on transcript NM_018896.5 (MANE Select); coding-DNA position 3653, C replaced by G.
Protein change: p.Pro1218Arg; replaces proline 1218 with arginine.
Molecular consequence: missense variant. On other transcripts: non-coding transcript variant (5).
Genome position (GRCh38, 1-based): chr17:50,599,822, C>G. VCF-style: chr17-50599822-C-G. GRCh37 (hg19) VCF-style: chr17-48677183-C-G.
Other names: c.3653C>G, p.Pro1218Arg (NM_001256324.2, NM_001256325.2, NM_001256326.2 and 16 more transcripts); c.3584C>G, p.Pro1195Arg (NM_001256332.2, NM_198383.3, NM_198387.3 and 5 more transcripts); short protein forms P1195R, P1218R.
Identifiers: ClinVar variation 2647918 (VCV002647918.24), dbSNP rs368770577, ClinGen allele CA400254052.

ClinVar aggregate classification (germline): Uncertain significance (1 of 4 stars; one submission).

Submission:

CeGaT Center for Human Genetics Tuebingen
Classification: Uncertain significance. Last evaluated: 2022-08-01. Review status: criteria provided, single submitter. Criteria: CeGaT Center For Human Genetics Tuebingen Variant Classification Criteria Version 2. Collection method: clinical testing. Allele origin: germline. Affected: yes. Observed: 1 variant allele.
Comment: CACNA1G: PM2